The following is an entry in ClinVar:

ClinVar aggregate classification (germline): Benign/Likely benign. Review status: criteria provided, multiple submitters, no conflicts (2 of 4 stars). 3 submissions from 3 submitters: Benign (1); Likely benign (1). 1 of the submissions does not count toward it. Last evaluated 2024-11-19.

Conditions:
COL1A1-related disorder. Also called: COL1A1- related disease; COL1A1-related condition.

Allele frequency attached by ClinVar (database versions not stated): TOPMed 0.00096; 1000 Genomes Project 0.00200; ExAC 0.00621; gnomAD exomes 0.00630; ESP Exome Variant Server 0.00169; gnomAD 0.00591 and 0.00570; 1000 Genomes Project 30x 0.00187.
gnomAD v4.1: 5,774 of 1,581,876 alleles (0.37%); highest among the groups gnomAD compares: Non-Finnish European, 0.16%; 114 homozygotes.

Submissions (3):

Blueprint Genetics
Classification: Likely benign. Last evaluated: 2024-11-19. Review status: criteria provided, single submitter. Criteria: ACMG Guidelines, 2015. Collection method: clinical testing. Allele origin: germline.

GeneDx
Classification: Benign. Last evaluated: 2019-01-28. Review status: criteria provided, single submitter. Criteria: GeneDx Variant Classification Process June 2021. Collection method: clinical testing. Allele origin: germline. Affected: yes.

PreventionGenetics, part of Exact Sciences
Classification: Benign for COL1A1-related condition. Last evaluated: 2019-04-06. Review status: no assertion criteria provided. Collection method: clinical testing. Allele origin: germline. Not counted in ClinVar's aggregate classification.
Comment: This variant is classified as benign based on ACMG/AMP sequence variant interpretation guidelines (Richards et al. 2015 PMID: 25741868, with internal and published modifications).

NM_000088.4(COL1A1):c.2343+34C>A

Gene: COL1A1 (collagen type I alpha 1 chain; minus strand). Cytogenetic location: 17q21.33.
Variant type: single nucleotide variant.
Coding change: c.2343+34C>A on transcript NM_000088.4 (MANE Select); 34 bases into the intron after coding-DNA position 2343, C replaced by A.
Molecular consequence: intron variant.
Genome position (GRCh38, 1-based): chr17:50,190,783, G>T on the plus strand (C>A on the coding strand, the complement: COL1A1 is on the minus strand). VCF-style: chr17-50190783-G-T. GRCh37 (hg19) VCF-style: chr17-48268144-G-T.
Other names: c.2343+34C>A (NM_000088.3).
Identifiers: ClinVar variation 1289030 (VCV001289030.4), dbSNP rs149027707, ClinGen allele CA8644864.